The following is an entry in ClinVar:

ClinVar aggregate classification (germline): Likely pathogenic. Review status: criteria provided, single submitter (1 of 4 stars). 2 submissions from 2 submitters: Likely pathogenic (1). 1 of the submissions does not count toward it. Last evaluated 2024-02-26.

Conditions:
Citrullinemia type I (CTNL1). Also called: ASS DEFICIENCY; argininosuccinate synthetase deficiency. Identifiers: Orphanet 247525, MedGen C4721769, MONDO:0008988, OMIM 215700.

gnomAD v4.1: 1 of 1,614,140 alleles (0.000062%); highest among the groups gnomAD compares: East Asian, 0.0022%; no homozygotes.

Submissions (2):

Natera, Inc.
Classification: Likely pathogenic for Citrullinemia type I. Last evaluated: 2024-02-26. Review status: criteria provided, single submitter. Criteria: Natera Variant Classification Schema (03/2026). Collection method: clinical testing. Allele origin: germline.
Comment: The c.567-1G>T variant in ASS1 is a canonical splice acceptor site variant predicted to affect pre-mRNA splicing, which may result in an abnormal transcript and altered protein product. This variant is expected to result in nonsense mediated decay, truncation, or a dysfunctional protein product. This variant is rare in the general population with a frequency below the threshold expected for the associated phenotype(s). Given the available evidence, this variant is classified as Likely Pathogenic.

Counsyl
Classification: Likely pathogenic for Citrullinemia type I. Last evaluated: 2016-09-23. Review status: no assertion criteria provided. Collection method: clinical testing. Allele origin: unknown. Not counted in ClinVar's aggregate classification.

NM_054012.4(ASS1):c.567-1G>T

Gene: ASS1 (argininosuccinate synthase 1; plus strand). Cytogenetic location: 9q34.11.
Variant type: single nucleotide variant.
Coding change: c.567-1G>T on transcript NM_054012.4 (MANE Select); the canonical splice acceptor site of the intron before coding-DNA position 567, G replaced by T.
Molecular consequence: splice acceptor variant.
Genome position (GRCh38, 1-based): chr9:130,471,484, G>T. VCF-style: chr9-130471484-G-T. GRCh37 (hg19) VCF-style: chr9-133346871-G-T.
Other names: c.567-1G>T (NM_000050.4).
Identifiers: ClinVar variation 371423 (VCV000371423.4), dbSNP rs1057517259, ClinGen allele CA16041301.
Genomic context (GRCh38, chr9:130,471,484, plus strand): 5'-GGGGATGGGGACATGCCATGTCCCTCCCCAGCTGACCCTGTCTTTCCTTTCCCCTCCGCA[G>T]CTACGAGGCTGGAATCCTGGAGAACCCCAAGGTAATCCCCCAAACCCCATCTCCTCCCAG-3'